The following is an entry in ClinVar:

NM_000051.4(ATM):c.6739A>G (p.Ile2247Val)

Genes: ATM (ATM serine/threonine kinase; plus strand), C11orf65 (chromosome 11 open reading frame 65; minus strand). Cytogenetic location: 11q22.3.
Variant type: single nucleotide variant.
Coding change: c.6739A>G on transcript NM_000051.4 (MANE Select); coding-DNA position 6739, A replaced by G.
Protein change: p.Ile2247Val; replaces isoleucine 2247 with valine.
Molecular consequence: missense variant. On other transcripts: intron variant (2).
Genome position (GRCh38, 1-based): chr11:108,325,476, A>G. VCF-style: chr11-108325476-A-G. GRCh37 (hg19) VCF-style: chr11-108196203-A-G.
Other names: c.6739A>G, p.Ile2247Val (NM_001351834.2); c.641-16405T>C (NM_001330368.2); c.*38+9744T>C (NM_001351110.2); short protein forms I2247V.
Identifiers: ClinVar variation 141137 (VCV000141137.60), dbSNP rs587781521, ClinGen allele CA164564.
Genomic context (GRCh38, chr11:108,325,476, plus strand): 5'-CGCACAGTCATTTTGGAGATCCTGATGGAAAAGGAAATGGACAACTCACAAAGAGAATGT[A>G]TTAAGGACATTCTCACCAAACACCTTGTAGAACTCTCTATACTGGCCAGAACTTTCAAGA-3'
Protein context (NP_000042.3, residues 2237-2257): KEMDNSQREC[Ile2247Val]KDILTKHLVE

ClinVar aggregate classification (germline): Conflicting classifications of pathogenicity. Review status: criteria provided, conflicting classifications (1 of 4 stars). 9 submissions from 9 submitters: Uncertain significance (5); Likely benign (2). 2 of the submissions do not count toward it. Last evaluated 2026-01-06.

Conditions:
Hereditary cancer-predisposing syndrome. Also called: Neoplastic Syndromes, Hereditary; Hereditary Cancer Syndrome; Tumor predisposition; Hereditary neoplastic syndrome. Identifiers: Orphanet 140162, MedGen C0027672, MeSH D009386, MONDO:0015356.
Familial cancer of breast. Also called: BREAST CANCER, FAMILIAL; hereditary breast carcinoma; Hereditary breast cancer. Identifiers: Orphanet 227535, MedGen C0346153, MONDO:0016419, OMIM 114480. Disease mechanism: loss of function.
Ataxia-telangiectasia syndrome (AT). Also called: Ataxia-telangiectasia, complementation group D; AT, COMPLEMENTATION GROUP C; Ataxia-telangiectasia; ATAXIA-TELANGIECTASIA, COMPLEMENTATION GROUP A; ATAXIA-TELANGIECTASIA, FRESNO VARIANT; Ataxia-telangiectasia, complementation group E. Identifiers: Orphanet 100, MedGen C0004135, MONDO:0008840, OMIM 208900.

Allele frequency attached by ClinVar (database versions not stated): gnomAD exomes 0.00001; TOPMed below 0.00001; gnomAD 0.00001.
gnomAD v4.1: 19 of 1,613,576 alleles (0.0012%); highest among the groups gnomAD compares: Admixed American, 0.0017%; no homozygotes.

Submissions (9):

Labcorp Genetics (formerly Invitae), Labcorp
Classification: Uncertain significance for Ataxia-telangiectasia syndrome. Last evaluated: 2026-01-06. Review status: criteria provided, single submitter. Criteria: Invitae Variant Classification Sherloc (09022015). Collection method: clinical testing. Allele origin: germline.
Comment: This sequence change replaces isoleucine, which is neutral and non-polar, with valine, which is neutral and non-polar, at codon 2247 of the ATM protein (p.Ile2247Val). This variant is not present in population databases (gnomAD no frequency). This variant has not been reported in the literature in individuals affected with ATM-related conditions. ClinVar contains an entry for this variant (Variation ID: 141137). Invitae Evidence Modeling of protein sequence and biophysical properties (such as structural, functional, and spatial information, amino acid conservation, physicochemical variation, residue mobility, and thermodynamic stability) indicates that this missense variant is not expected to disrupt ATM protein function with a negative predictive value of 95%. In summary, the available evidence is currently insufficient to determine the role of this variant in disease. Therefore, it has been classified as a Variant of Uncertain Significance.

Ambry Genetics
Classification: Likely benign for Hereditary cancer-predisposing syndrome. Last evaluated: 2025-08-13. Review status: criteria provided, single submitter. Criteria: Ambry Variant Classification Scheme 2023. Collection method: clinical testing. Allele origin: germline.

GeneDx
Classification: Uncertain significance. Last evaluated: 2025-05-22. Review status: criteria provided, single submitter. Criteria: GeneDx Variant Classification Process June 2021. Collection method: clinical testing. Allele origin: germline. Affected: yes.
Comment: Not observed at significant frequency in large population cohorts (gnomAD); In silico analysis suggests that this missense variant does not alter protein structure/function; This variant has been reported in individuals with breast cancer (PMID: 28779002); This variant is associated with the following publications: (PMID: 23532176, 28779002)

Baylor Genetics
Classification: Uncertain significance for Familial cancer of breast. Last evaluated: 2023-09-30. Review status: criteria provided, single submitter. Criteria: ACMG Guidelines, 2015. Collection method: clinical testing. Allele origin: unknown.

CeGaT Center for Human Genetics Tuebingen
Classification: Likely benign. Last evaluated: 2022-04-01. Review status: criteria provided, single submitter. Criteria: CeGaT Center For Human Genetics Tuebingen Variant Classification Criteria Version 2. Collection method: clinical testing. Allele origin: germline. Affected: yes. Observed: 2 variant alleles.
Comment: ATM: BP4

Color Diagnostics, LLC DBA Color Health
Classification: Uncertain significance for Hereditary cancer-predisposing syndrome. Last evaluated: 2021-10-19. Review status: criteria provided, single submitter. Criteria: ACMG Guidelines, 2015. Collection method: clinical testing. Allele origin: germline.
Comment: This missense variant replaces isoleucine with valine at codon 2247 of the ATM protein. Computational prediction suggests that this variant may not impact protein structure and function (internally defined REVEL score threshold <= 0.5, PMID: 27666373). To our knowledge, functional studies have not been reported for this variant. This variant has not been reported in individuals affected with hereditary cancer in the literature. This variant has not been identified in the general population by the Genome Aggregation Database (gnomAD). The available evidence is insufficient to determine the role of this variant in disease conclusively. Therefore, this variant is classified as a Variant of Uncertain Significance.

Sema4
Classification: Uncertain significance for Hereditary cancer-predisposing syndrome. Last evaluated: 2021-09-13. Review status: criteria provided, single submitter. Criteria: Sema4 Curation Guidelines. Collection method: curation. Allele origin: germline.
Comment: The ATM c.6739A>G (p.I2247V) variant has not been reported in literature to our knowledge. It was not observed in the large and broad cohorts of the Genome Aggregation Database (PMID 32461654). This variant has been reported in ClinVar (Variation ID 141137). In silico tools suggest the impact of the variant on protein function is benign, though these predictions have not been confirmed by functional studies. The overall evidence is insufficient to meet ACMG/AMP criteria for classifying it as benign or pathogenic. In summary, the clinical significance of this variant is currently uncertain.

Natera, Inc.
Classification: Uncertain significance for Ataxia-telangiectasia. Last evaluated: 2020-08-11. Review status: no assertion criteria provided. Collection method: clinical testing. Allele origin: germline. Not counted in ClinVar's aggregate classification.

Counsyl
Classification: Uncertain significance for Ataxia-telangiectasia syndrome. Last evaluated: 2017-05-12. Review status: no assertion criteria provided. Collection method: clinical testing. Allele origin: unknown. Not counted in ClinVar's aggregate classification.

Literature cited by the submitters: PubMed 28779002 (cited by Ambry Genetics); PubMed 33471991 (cited by Ambry Genetics).